The following is an entry in ClinVar:

NM_004415.4(DSP):c.5538A>T (p.Glu1846Asp)

Gene: DSP (desmoplakin; plus strand). Cytogenetic location: 6p24.3.
Variant type: single nucleotide variant.
Coding change: c.5538A>T on transcript NM_004415.4 (MANE Select); coding-DNA position 5538, A replaced by T.
Protein change: p.Glu1846Asp; replaces glutamic acid 1846 with aspartic acid.
Molecular consequence: missense variant.
Genome position (GRCh38, 1-based): chr6:7,582,800, A>T. VCF-style: chr6-7582800-A-T. GRCh37 (hg19) VCF-style: chr6-7583033-A-T.
Other names: c.3741A>T, p.Glu1247Asp (NM_001008844.3); c.4209A>T, p.Glu1403Asp (NM_001319034.2); short protein forms E1247D, E1403D, E1846D.
Identifiers: ClinVar variation 1302681 (VCV001302681.2), dbSNP rs2113698073, ClinGen allele CA362688842.
Genomic context (GRCh38, chr6:7,582,800, plus strand): 5'-GGCAAGGCTGCAGAGGCTGGAGGATGAGCTGAATCGTGCAAAATCAACTCTAGAGGCAGA[A>T]ACCAGGGTGAAACAGCGCCTGGAGTGTGAGAAACAGCAAATTCAGAATGACCTGAATCAG-3'
Protein context (NP_004406.2, residues 1836-1856): LNRAKSTLEA[Glu1846Asp]TRVKQRLECE

ClinVar aggregate classification (germline): Uncertain significance (1 of 4 stars; one submission).

Submission:

GeneDx
Classification: Uncertain significance. Last evaluated: 2019-04-25. Review status: criteria provided, single submitter. Criteria: GeneDx Variant Classification Process June 2021. Collection method: clinical testing. Allele origin: germline. Affected: yes.
Comment: Has not been previously published as pathogenic or benign to our knowledge; Not observed in large population cohorts (Lek et al., 2016); In silico analysis, which includes protein predictors and evolutionary conservation, supports that this variant does not alter protein structure/function